The following is an entry in ClinVar:

ClinVar aggregate classification (germline): Uncertain significance. Review status: criteria provided, multiple submitters, no conflicts (2 of 4 stars). 3 submissions from 3 submitters: Uncertain significance (3). Last evaluated 2025-02-01.

Allele frequency attached by ClinVar (database versions not stated): gnomAD 0.00002; TOPMed 0.00003; gnomAD exomes 0.00004 and 0.00005; ExAC 0.00007.
gnomAD v4.1: 68 of 1,613,836 alleles (0.0042%); highest among the groups gnomAD compares: Non-Finnish European, 0.0053%; no homozygotes.

Submissions (3):

Ambry Genetics
Classification: Uncertain significance. Last evaluated: 2025-02-01. Review status: criteria provided, single submitter. Criteria: Ambry Variant Classification Scheme 2023. Collection method: clinical testing. Allele origin: germline.

GeneDx
Classification: Uncertain significance. Last evaluated: 2024-08-02. Review status: criteria provided, single submitter. Criteria: GeneDx Variant Classification Process June 2021. Collection method: clinical testing. Allele origin: germline. Affected: yes.
Comment: Not observed at significant frequency in large population cohorts (gnomAD); In silico analysis indicates that this missense variant does not alter protein structure/function; Has not been previously published as pathogenic or benign to our knowledge

Labcorp Genetics (formerly Invitae), Labcorp
Classification: Uncertain significance. Last evaluated: 2022-07-19. Review status: criteria provided, single submitter. Criteria: Invitae Variant Classification Sherloc (09022015). Collection method: clinical testing. Allele origin: germline.
Comment: This sequence change replaces isoleucine, which is neutral and non-polar, with valine, which is neutral and non-polar, at codon 73 of the SBF1 protein (p.Ile73Val). This variant is present in population databases (rs756771124, gnomAD 0.008%). This variant has not been reported in the literature in individuals affected with SBF1-related conditions. ClinVar contains an entry for this variant (Variation ID: 1306009). Algorithms developed to predict the effect of missense changes on protein structure and function are either unavailable or do not agree on the potential impact of this missense change (SIFT: "Tolerated"; PolyPhen-2: "Probably Damaging"; Align-GVGD: "Class C0"). In summary, the available evidence is currently insufficient to determine the role of this variant in disease. Therefore, it has been classified as a Variant of Uncertain Significance.

NM_002972.4(SBF1):c.217A>G (p.Ile73Val)

Gene: SBF1 (SET binding factor 1; minus strand). Cytogenetic location: 22q13.33.
Variant type: single nucleotide variant.
Coding change: c.217A>G on transcript NM_002972.4 (MANE Select); coding-DNA position 217, A replaced by G.
Protein change: p.Ile73Val; replaces isoleucine 73 with valine.
Molecular consequence: missense variant.
Genome position (GRCh38, 1-based): chr22:50,467,848, T>C on the plus strand (A>G on the coding strand, the complement: SBF1 is on the minus strand). VCF-style: chr22-50467848-T-C. GRCh37 (hg19) VCF-style: chr22-50906277-T-C.
Other names: c.217A>G, p.Ile73Val (NM_001365819.1); short protein forms I73V.
Identifiers: ClinVar variation 1306009 (VCV001306009.8), dbSNP rs756771124, ClinGen allele CA10318192.